The following is an entry in ClinVar:

ClinVar aggregate classification (germline): Conflicting classifications of pathogenicity. Review status: criteria provided, conflicting classifications (1 of 4 stars). 2 submissions from 2 submitters: Uncertain significance (1); Likely benign (1). Last evaluated 2024-11-19.

gnomAD v4.1: 6 of 1,613,932 alleles (0.00037%); highest among the groups gnomAD compares: African/African-American, 0.008%; no homozygotes.

Submissions (2):

GeneDx
Classification: Uncertain significance. Last evaluated: 2024-11-19. Review status: criteria provided, single submitter. Criteria: GeneDx Variant Classification Process June 2021. Collection method: clinical testing. Allele origin: germline. Affected: yes.
Comment: Not observed at significant frequency in large population cohorts (gnomAD); Missense variant in a gene in which most reported pathogenic variants are truncating/loss of function; Has not been previously published as pathogenic or benign to our knowledge

Blueprint Genetics
Classification: Likely benign. Last evaluated: 2021-09-01. Review status: criteria provided, single submitter. Criteria: ACMG Guidelines, 2015. Collection method: clinical testing. Allele origin: germline.

NM_001267550.2(TTN):c.53T>G (p.Leu18Arg)

Gene: TTN (titin; minus strand). Cytogenetic location: 2q31.2.
Variant type: single nucleotide variant.
Coding change: c.53T>G on transcript NM_001267550.2 (MANE Select); coding-DNA position 53, T replaced by G.
Protein change: p.Leu18Arg; replaces leucine 18 with arginine.
Molecular consequence: missense variant.
Genome position (GRCh38, 1-based): chr2:178,804,590, A>C on the plus strand (T>G on the coding strand, the complement: TTN is on the minus strand). VCF-style: chr2-178804590-A-C. GRCh37 (hg19) VCF-style: chr2-179669317-A-C.
Other names: c.53T>G, p.Leu18Arg (NM_001256850.1, NM_003319.4, NM_133378.4 and 3 more transcripts); short protein forms L18R.
Identifiers: ClinVar variation 3899450 (VCV003899450.2).